The following is an entry in ClinVar:

NM_006415.4(SPTLC1):c.913G>A (p.Ala305Thr)

Gene: SPTLC1 (serine palmitoyltransferase long chain base subunit 1; minus strand). Cytogenetic location: 9q22.31.
Variant type: single nucleotide variant.
Coding change: c.913G>A on transcript NM_006415.4 (MANE Select); coding-DNA position 913, G replaced by A.
Protein change: p.Ala305Thr; replaces alanine 305 with threonine.
Molecular consequence: missense variant.
Genome position (GRCh38, 1-based): chr9:92,047,684, C>T on the plus strand (G>A on the coding strand, the complement: SPTLC1 is on the minus strand). VCF-style: chr9-92047684-C-T. GRCh37 (hg19) VCF-style: chr9-94809966-C-T.
Other names: c.913G>A, p.Ala305Thr (NM_001281303.2); c.547G>A, p.Ala183Thr (NM_001368272.1); c.448G>A, p.Ala150Thr (NM_001368273.1); c.913G>A (NM_006415.3); short protein forms A150T, A305T, A183T.
Identifiers: ClinVar variation 1447467 (VCV001447467.7), dbSNP rs199972180, ClinGen allele CA195386528.

ClinVar aggregate classification (germline): Uncertain significance. Review status: criteria provided, multiple submitters, no conflicts (2 of 4 stars). 2 submissions from 2 submitters: Uncertain significance (2). Last evaluated 2025-12-09.

Conditions:
Hereditary sensory and autonomic neuropathy type 1 (HSAN1). Also called: HSAN 1; HSN Type I; Hereditary Sensory Neuropathy Type I. Identifiers: Orphanet 36386, MedGen C0020071, MONDO:0018213.
SPTLC1-related disorder. Also called: SPTLC1-related condition.

Allele frequency attached by ClinVar (database versions not stated): gnomAD 0.00001; gnomAD exomes 0.00001 and 0.00004; TOPMed 0.00002.
gnomAD v4.1: 54 of 1,613,070 alleles (0.0033%); highest among the groups gnomAD compares: Non-Finnish European, 0.0045%; no homozygotes.

Submissions (2):

PreventionGenetics, part of Exact Sciences
Classification: Uncertain significance for SPTLC1-related condition. Last evaluated: 2025-12-09. Review status: criteria provided, single submitter. Criteria: ACMG Guidelines, 2015. Collection method: clinical testing. Allele origin: germline.
Comment: The SPTLC1 c.913G>A variant is predicted to result in the amino acid substitution p.Ala305Thr. To our knowledge, this variant has not been reported in the literature. This variant is reported in 0.0018% of alleles in individuals of European (non-Finnish) descent in gnomAD. At this time, the clinical significance of this variant is uncertain due to the absence of conclusive functional and genetic evidence.

Labcorp Genetics (formerly Invitae), Labcorp
Classification: Uncertain significance for Hereditary sensory and autonomic neuropathy type 1. Last evaluated: 2024-06-18. Review status: criteria provided, single submitter. Criteria: Invitae Variant Classification Sherloc (09022015). Collection method: clinical testing. Allele origin: germline.
Comment: This sequence change replaces alanine, which is neutral and non-polar, with threonine, which is neutral and polar, at codon 305 of the SPTLC1 protein (p.Ala305Thr). This variant is present in population databases (rs199972180, gnomAD 0.003%). This variant has not been reported in the literature in individuals affected with SPTLC1-related conditions. ClinVar contains an entry for this variant (Variation ID: 1447467). Advanced modeling of protein sequence and biophysical properties (such as structural, functional, and spatial information, amino acid conservation, physicochemical variation, residue mobility, and thermodynamic stability) performed at Invitae indicates that this missense variant is not expected to disrupt SPTLC1 protein function with a negative predictive value of 80%. In summary, the available evidence is currently insufficient to determine the role of this variant in disease. Therefore, it has been classified as a Variant of Uncertain Significance.